The following is an entry in ClinVar:

NM_024529.5(CDC73):c.728A>G (p.Lys243Arg)

Gene: CDC73 (cell division cycle 73; plus strand). Cytogenetic location: 1q31.2.
Variant type: single nucleotide variant.
Coding change: c.728A>G on transcript NM_024529.5 (MANE Select); coding-DNA position 728, A replaced by G.
Protein change: p.Lys243Arg; replaces lysine 243 with arginine.
Molecular consequence: missense variant.
Genome position (GRCh38, 1-based): chr1:193,142,065, A>G. VCF-style: chr1-193142065-A-G. GRCh37 (hg19) VCF-style: chr1-193111195-A-G.
Other names: short protein forms K243R.
Identifiers: ClinVar variation 3488505 (VCV003488505.2).

ClinVar aggregate classification (germline): Uncertain significance (1 of 4 stars; one submission).

Conditions:
Hereditary cancer-predisposing syndrome. Also called: Tumor predisposition; Neoplastic Syndromes, Hereditary; Hereditary Cancer Syndrome; Hereditary neoplastic syndrome. Identifiers: Orphanet 140162, MedGen C0027672, MeSH D009386, MONDO:0015356.

Submission:

Ambry Genetics
Classification: Uncertain significance for Hereditary cancer-predisposing syndrome. Last evaluated: 2025-09-11. Review status: criteria provided, single submitter. Criteria: Ambry Variant Classification Scheme 2023. Collection method: clinical testing. Allele origin: germline.
Comment: The c.728A>G variant (also known as p.K243R), located in coding exon 7 of the CDC73 gene, results from an A to G substitution at nucleotide position 728. The lysine at codon 243 is replaced by arginine, an amino acid with highly similar properties. This nucleotide position is highly conserved in available vertebrate species. In silico splice site analysis predicts that this alteration may weaken the native splice donor site; however, direct evidence is insufficient at this time (Ambry internal data). Based on the available evidence, the clinical significance of this variant remains unclear.